The following is an entry in ClinVar:

NM_001089.3(ABCA3):c.355_357del (p.Tyr119del)

Gene: ABCA3 (ATP binding cassette subfamily A member 3; minus strand). Cytogenetic location: 16p13.3.
Variant type: Deletion.
Coding change: c.355_357del on transcript NM_001089.3 (MANE Select); coding-DNA positions 355 to 357, 3 bases deleted (TAC; older notation c.355_357delTAC).
Protein change: p.Tyr119del; deletes tyrosine 119.
Molecular consequence: inframe deletion.
Genome position (GRCh38, 1-based): chr16:2,324,494-2,324,496, GTA deleted on the plus strand (TAC on the coding strand, the reverse complement: ABCA3 is on the minus strand); deleting any 3 consecutive bases within chr16:2,324,494-2,324,498 gives the same sequence; the c. name uses the placement nearest the transcript's 3' end. VCF-style (leftmost placement, unchanged base first): chr16-2324493-TGTA-T. GRCh37 (hg19) VCF-style: chr16-2374494-TGTA-T.
Other names: short protein forms Y119del.
Identifiers: ClinVar variation 5004029 (VCV005004029.1).

ClinVar aggregate classification (germline): Uncertain significance (1 of 4 stars; one submission).

Conditions:
Interstitial lung disease due to ABCA3 deficiency. Also called: PULMONARY ALVEOLAR PROTEINOSIS, CONGENITAL, 3. Identifiers: Orphanet 440402, MedGen C1970456, MONDO:0012582, OMIM 610921.

Submission:

Myriad Genetics, Inc.
Classification: Uncertain significance for Interstitial lung disease due to ABCA3 deficiency. Last evaluated: 2026-03-11. Review status: criteria provided, single submitter. Criteria: Myriad Autosomal Dominant, Autosomal Recessive and X-Linked Classification Criteria (2023). Collection method: clinical testing. Allele origin: unknown.
Comment: NM_001089.2(ABCA3):c.355_357delTAC(Y119del) is an in-frame deletion classified as a variant of uncertain significance in the context of surfactant deficiency, ABCA3-related. Y119del has not been observed in cases with relevant disease. Relevant functional assessments of this variant are not available in the literature. Y119del has not been observed in referenced population frequency databases. In summary, there is insufficient evidence to classify NM_001089.2(ABCA3):c.355_357delTAC(Y119del) as pathogenic or benign. Please note: this variant was assessed in the context of healthy population screening.